The following is an entry in ClinVar:

ClinVar aggregate classification (germline): Uncertain significance. Review status: criteria provided, multiple submitters, no conflicts (2 of 4 stars). 3 submissions from 3 submitters: Uncertain significance (3). Last evaluated 2025-12-29.

Allele frequency attached by ClinVar (database versions not stated): TOPMed below 0.00001; gnomAD 0.00002 and 0.00005; gnomAD exomes 0.00004 and 0.00008; ExAC 0.00008.
gnomAD v4.1: 60 of 1,614,068 alleles (0.0037%); highest among the groups gnomAD compares: South Asian, 0.036%; 2 homozygotes.

Submissions (3):

Labcorp Genetics (formerly Invitae), Labcorp
Classification: Uncertain significance. Last evaluated: 2025-12-29. Review status: criteria provided, single submitter. Criteria: Invitae Variant Classification Sherloc (09022015). Collection method: clinical testing. Allele origin: germline.
Comment: This sequence change replaces arginine, which is basic and polar, with cysteine, which is neutral and slightly polar, at codon 268 of the IHH protein (p.Arg268Cys). This variant is present in population databases (rs779327335, gnomAD 0.05%). This variant has not been reported in the literature in individuals affected with IHH-related conditions. ClinVar contains an entry for this variant (Variation ID: 593624). Invitae Evidence Modeling of protein sequence and biophysical properties (such as structural, functional, and spatial information, amino acid conservation, physicochemical variation, residue mobility, and thermodynamic stability) indicates that this missense variant is not expected to disrupt IHH protein function with a negative predictive value of 80%. In summary, the available evidence is currently insufficient to determine the role of this variant in disease. Therefore, it has been classified as a Variant of Uncertain Significance.

Blueprint Genetics
Classification: Uncertain significance. Last evaluated: 2023-05-31. Review status: criteria provided, single submitter. Criteria: ACMG Guidelines, 2015. Collection method: clinical testing. Allele origin: germline.

Eurofins Ntd Llc (ga)
Classification: Uncertain significance. Last evaluated: 2017-08-31. Review status: criteria provided, single submitter. Criteria: EGL Classification Definitions 2015. Collection method: clinical testing. Allele origin: germline. Observed: 1 variant allele, 1 heterozygote.

NM_002181.4(IHH):c.802C>T (p.Arg268Cys)

Gene: IHH (Indian hedgehog signaling molecule; minus strand). Cytogenetic location: 2q35.
Variant type: single nucleotide variant.
Coding change: c.802C>T on transcript NM_002181.4 (MANE Select); coding-DNA position 802, C replaced by T.
Protein change: p.Arg268Cys; replaces arginine 268 with cysteine.
Molecular consequence: missense variant.
Genome position (GRCh38, 1-based): chr2:219,055,641, G>A on the plus strand (C>T on the coding strand, the complement: IHH is on the minus strand). VCF-style: chr2-219055641-G-A. GRCh37 (hg19) VCF-style: chr2-219920363-G-A.
Other names: short protein forms R268C.
Identifiers: ClinVar variation 593624 (VCV000593624.11), dbSNP rs779327335, ClinGen allele CA2116601.